The following is an entry in ClinVar:

NM_033360.4(KRAS):c.-44A>G

Genes: KRAS (KRAS proto-oncogene, GTPase; minus strand), LOC130007561 (ATAC-STARR-seq lymphoblastoid silent region 4294; plus strand). Cytogenetic location: 12p12.1.
Variant type: single nucleotide variant.
Coding change: c.-44A>G on transcript NM_033360.4 (MANE Plus Clinical); 44 bases upstream of the start codon, A replaced by G.
Molecular consequence: 5 prime UTR variant.
Genome position (GRCh38, 1-based): chr12:25,250,783, T>C on the plus strand (A>G on the coding strand, the complement: KRAS is on the minus strand). VCF-style: chr12-25250783-T-C. GRCh37 (hg19) VCF-style: chr12-25403717-T-C.
Other names: c.-44A>G (LRG_344t1, LRG_344t2, NM_004985.5); c.-31A>G (NM_001369786.1, NM_001369787.1).
Identifiers: ClinVar variation 509071 (VCV000509071.1), dbSNP rs1555196203, ClinGen allele CA658797854.

ClinVar aggregate classification (germline): Likely benign (1 of 4 stars; one submission).

Allele frequency attached by ClinVar (database versions not stated): TOPMed below 0.00001.

Submission:

GeneDx
Classification: Likely benign. Last evaluated: 2017-09-19. Review status: criteria provided, single submitter. Criteria: GeneDx Variant Classification (06012015). Collection method: clinical testing. Allele origin: germline. Affected: yes.
Comment: This variant is considered likely benign or benign based on one or more of the following criteria: it is a conservative change, it occurs at a poorly conserved position in the protein, it is predicted to be benign by multiple in silico algorithms, and/or has population frequency not consistent with disease.